The following is an entry in ClinVar:

ClinVar aggregate classification (germline): Uncertain significance (1 of 4 stars; one submission).

Conditions:
Epileptic encephalopathy. Identifiers: MedGen C0543888, HP:0200134.

Allele frequency attached by ClinVar (database versions not stated): ExAC below 0.00001; gnomAD 0.00004 and 0.00005; gnomAD exomes 0.00004 and 0.00006; TOPMed 0.00004.
gnomAD v4.1: 65 of 1,550,960 alleles (0.0042%); highest among the groups gnomAD compares: South Asian, 0.0095%; no homozygotes.

Submission:

Labcorp Genetics (formerly Invitae), Labcorp
Classification: Uncertain significance for Epileptic encephalopathy. Last evaluated: 2024-07-11. Review status: criteria provided, single submitter. Criteria: Invitae Variant Classification Sherloc (09022015). Collection method: clinical testing. Allele origin: germline.
Comment: This sequence change replaces alanine, which is neutral and non-polar, with threonine, which is neutral and polar, at codon 1491 of the FASN protein (p.Ala1491Thr). This variant is present in population databases (rs748423164, gnomAD 0.02%). This variant has not been reported in the literature in individuals affected with FASN-related conditions. ClinVar contains an entry for this variant (Variation ID: 846043). An algorithm developed to predict the effect of missense changes on protein structure and function outputs the following: PolyPhen-2: "Benign". The threonine amino acid residue is found in multiple mammalian species, which suggests that this missense change does not adversely affect protein function. In summary, the available evidence is currently insufficient to determine the role of this variant in disease. Therefore, it has been classified as a Variant of Uncertain Significance.

NM_004104.5(FASN):c.4471G>A (p.Ala1491Thr)

Gene: FASN (fatty acid synthase; minus strand). Cytogenetic location: 17q25.3.
Variant type: single nucleotide variant.
Coding change: c.4471G>A on transcript NM_004104.5 (MANE Select); coding-DNA position 4471, G replaced by A.
Protein change: p.Ala1491Thr; replaces alanine 1491 with threonine.
Molecular consequence: missense variant.
Genome position (GRCh38, 1-based): chr17:82,084,892, C>T on the plus strand (G>A on the coding strand, the complement: FASN is on the minus strand). VCF-style: chr17-82084892-C-T. GRCh37 (hg19) VCF-style: chr17-80042768-C-T.
Other names: short protein forms A1491T.
Identifiers: ClinVar variation 846043 (VCV000846043.9), dbSNP rs748423164, ClinGen allele CA8852034.